The following is an entry in ClinVar:

ClinVar aggregate classification (germline): Likely pathogenic (1 of 4 stars; one submission).

Conditions:
Autosomal recessive severe congenital neutropenia due to CSF3R deficiency. Also called: Neutropenia, severe congenital, 7, autosomal recessive. Identifiers: Orphanet 420702, MedGen C4310764, MONDO:0014865, OMIM 617014.

Submission:

Igenomix - Part of Vitrolife Group, Igenomix
Classification: Likely pathogenic for Autosomal recessive severe congenital neutropenia due to CSF3R deficiency. Review status: criteria provided, single submitter. Criteria: ACMG Guidelines, 2015. Collection method: clinical testing. Allele origin: germline. Inheritance: Autosomal recessive inheritance. Affected: no.
Comment: This (NM_000760.4:c.361+1G>T) variant results in the 5' splice site variant that affects the invariant GT splice donor site in intron 4/16 of the CSF3R gene. In silico tools like dbscSNV Ada and SpliceAI predict a likely disruption of consensus essential splice donor site. This variant is absent in the gnomAD v4.1.0 (PM2). To our knowledge, no experimental evidence demonstrating an impact on protein function has been reported. Based on the evidence outlined above, the variant was classified as likely pathogenic. This variant was detected in the heterozygous state through carrier screening.

NM_000760.4(CSF3R):c.361+1G>T

Gene: CSF3R (colony stimulating factor 3 receptor; minus strand). Cytogenetic location: 1p34.3.
Variant type: single nucleotide variant.
Coding change: c.361+1G>T on transcript NM_000760.4 (MANE Select); the canonical splice donor site of the intron after coding-DNA position 361, G replaced by T.
Molecular consequence: splice donor variant.
Genome position (GRCh38, 1-based): chr1:36,475,376, C>A on the plus strand (G>T on the coding strand, the complement: CSF3R is on the minus strand). VCF-style: chr1-36475376-C-A. GRCh37 (hg19) VCF-style: chr1-36940977-C-A.
Other names: c.361+1G>T (NM_156039.3, NM_172313.3).
Identifiers: ClinVar variation 3336682 (VCV003336682.1).
Genomic context (GRCh38, chr1:36,475,376, plus strand): 5'-CTTATTAGTATTGGCAGGAGGGTGTTGGAGGCAGAGTAGTTGGATGGCTGGAAGGACTTA[C>A]AGCCTGCGCGCAGCTCAACCTGGTCCAGGATCTGCAGGCTGTTGCCCCAGTTCAGGCAGC-3'